The following is an entry in ClinVar:

ClinVar aggregate classification (germline): Uncertain significance (1 of 4 stars; one submission).

Conditions:
Severe combined immunodeficiency due to CORO1A deficiency. Also called: Immunodeficiency 8; IMMUNODEFICIENCY 8 WITH LYMPHOPROLIFERATION. Identifiers: Orphanet 228003, MedGen C3809383, MONDO:0014168, OMIM 615401.

Allele frequency attached by ClinVar (database versions not stated): gnomAD exomes below 0.00001; TOPMed 0.00001.
gnomAD v4.1: 1 of 1,613,026 alleles (0.000062%); highest among the groups gnomAD compares: South Asian, 0.0011%; no homozygotes.

Submission:

Labcorp Genetics (formerly Invitae), Labcorp
Classification: Uncertain significance for Severe combined immunodeficiency due to CORO1A deficiency. Last evaluated: 2022-02-10. Review status: criteria provided, single submitter. Criteria: Invitae Variant Classification Sherloc (09022015). Collection method: clinical testing. Allele origin: germline.
Comment: This variant has not been reported in the literature in individuals affected with CORO1A-related conditions. In summary, the available evidence is currently insufficient to determine the role of this variant in disease. Therefore, it has been classified as a Variant of Uncertain Significance. Algorithms developed to predict the effect of missense changes on protein structure and function are either unavailable or do not agree on the potential impact of this missense change (SIFT: "Deleterious"; PolyPhen-2: "Probably Damaging"; Align-GVGD: "Class C0"). ClinVar contains an entry for this variant (Variation ID: 654588). This variant is not present in population databases (gnomAD no frequency). This sequence change replaces arginine, which is basic and polar, with cysteine, which is neutral and slightly polar, at codon 206 of the CORO1A protein (p.Arg206Cys).

NM_007074.4(CORO1A):c.616C>T (p.Arg206Cys)

Genes: CORO1A (coronin 1A; plus strand), LOC121587541 (Sharpr-MPRA regulatory region 7413; plus strand). Cytogenetic location: 16p11.2.
Variant type: single nucleotide variant.
Coding change: c.616C>T on transcript NM_007074.4 (MANE Select); coding-DNA position 616, C replaced by T.
Protein change: p.Arg206Cys; replaces arginine 206 with cysteine.
Molecular consequence: missense variant.
Genome position (GRCh38, 1-based): chr16:30,187,203, C>T. VCF-style: chr16-30187203-C-T. GRCh37 (hg19) VCF-style: chr16-30198524-C-T.
Other names: c.616C>T, p.Arg206Cys (NM_001193333.3); short protein forms R206C.
Identifiers: ClinVar variation 654588 (VCV000654588.9), dbSNP rs1172804903, ClinGen allele CA395494795.